The following is an entry in ClinVar:

ClinVar aggregate classification (germline): Uncertain significance (1 of 4 stars; one submission).

gnomAD v4.1: 20 of 1,614,090 alleles (0.0012%); highest among the groups gnomAD compares: Non-Finnish European, 0.0017%; no homozygotes.

Submission:

Ambry Genetics
Classification: Uncertain significance. Last evaluated: 2025-09-22. Review status: criteria provided, single submitter. Criteria: Ambry Variant Classification Scheme 2023. Collection method: clinical testing. Allele origin: germline.
Comment: The c.785G>A (p.R262Q) alteration is located in exon 9 (coding exon 9) of the CYTH4 gene. This alteration results from a G to A substitution at nucleotide position 785, causing the arginine (R) at amino acid position 262 to be replaced by a glutamine (Q). Based on data from gnomAD, the A allele has an overall frequency of <0.001% (1/251328) total alleles studied. The highest observed frequency was 0.001% (1/113690) of European (non-Finnish) alleles. Based on insufficient or conflicting evidence, the clinical significance of this alteration remains unclear.

NM_013385.5(CYTH4):c.785G>A (p.Arg262Gln)

Gene: CYTH4 (cytohesin 4; plus strand). Cytogenetic location: 22q13.1.
Variant type: single nucleotide variant.
Coding change: c.785G>A on transcript NM_013385.5 (MANE Select); coding-DNA position 785, G replaced by A.
Protein change: p.Arg262Gln; replaces arginine 262 with glutamine.
Molecular consequence: missense variant.
Genome position (GRCh38, 1-based): chr22:37,309,300, G>A. VCF-style: chr22-37309300-G-A. GRCh37 (hg19) VCF-style: chr22-37705341-G-A.
Other names: c.614G>A, p.Arg205Gln (NM_001318024.2); short protein forms R205Q, R262Q.
Identifiers: ClinVar variation 4658282 (VCV004658282.1).